The following is an entry in ClinVar:

NM_024642.5(GALNT12):c.963T>C (p.Tyr321=)

Gene: GALNT12 (polypeptide N-acetylgalactosaminyltransferase 12; plus strand). Cytogenetic location: 9q22.33.
Variant type: single nucleotide variant.
Coding change: c.963T>C on transcript NM_024642.5 (MANE Select); coding-DNA position 963, T replaced by C.
Protein change: p.Tyr321=; no amino-acid change (tyrosine 321 retained).
Molecular consequence: synonymous variant.
Genome position (GRCh38, 1-based): chr9:98,835,294, T>C. VCF-style: chr9-98835294-T-C. GRCh37 (hg19) VCF-style: chr9-101597576-T-C.
Identifiers: ClinVar variation 4876199 (VCV004876199.1).
Genomic context (GRCh38, chr9:98,835,294, plus strand): 5'-ATCATACTTTTTTAGGTCTCCAACAATGGCTGGTGGGCTGTTTGCTGTGAGTAAGAAATA[T>C]TTTGAATATCTGGGGTCTTATGATACAGGAATGGAAGTTTGGGGAGGAGAAAACCTCGAA-3'
Protein context (NP_078918.3, residues 311-331): AGGLFAVSKK[Tyr321=]FEYLGSYDTG

ClinVar aggregate classification (germline): Benign (1 of 4 stars; one submission).

Conditions:
Colorectal cancer, susceptibility to, 1. Also called: COLORECTAL ADENOMA AND CANCER, SUSCEPTIBILITY TO; COLORECTAL CANCER, SUSCEPTIBILITY TO, ON CHROMOSOME 9. Identifiers: MedGen C1837315, MONDO:0012132, OMIM 608812.

Submission:

Myriad Genetics, Inc.
Classification: Benign for Colorectal cancer, susceptibility to, 1. Last evaluated: 2026-04-24. Review status: criteria provided, single submitter. Criteria: Myriad Autosomal Dominant, Autosomal Recessive and X-Linked Classification Criteria (2023). Collection method: clinical testing. Allele origin: unknown.
Comment: This variant is considered benign. This variant is a silent/synonymous amino acid change and it is not expected to impact splicing.